The following is an entry in ClinVar:

ClinVar aggregate classification (germline): Uncertain significance (1 of 4 stars; one submission).

Allele frequency attached by ClinVar (database versions not stated): gnomAD exomes 0.00001; TOPMed 0.00001; ExAC 0.00002.
gnomAD v4.1: 17 of 1,614,186 alleles (0.0011%); highest among the groups gnomAD compares: African/African-American, 0.0013%; no homozygotes.

Submission:

Labcorp Genetics (formerly Invitae), Labcorp
Classification: Uncertain significance. Last evaluated: 2022-05-09. Review status: criteria provided, single submitter. Criteria: Invitae Variant Classification Sherloc (09022015). Collection method: clinical testing. Allele origin: germline.
Comment: In summary, the available evidence is currently insufficient to determine the role of this variant in disease. Therefore, it has been classified as a Variant of Uncertain Significance. Algorithms developed to predict the effect of missense changes on protein structure and function are either unavailable or do not agree on the potential impact of this missense change (SIFT: "Deleterious"; PolyPhen-2: "Benign"; Align-GVGD: "Class C0"). This variant has not been reported in the literature in individuals affected with ATP2B4-related conditions. This variant is present in population databases (rs775495591, gnomAD 0.003%). This sequence change replaces arginine, which is basic and polar, with tryptophan, which is neutral and slightly polar, at codon 529 of the ATP2B4 protein (p.Arg529Trp).

NM_001684.5(ATP2B4):c.1585C>T (p.Arg529Trp)

Gene: ATP2B4 (ATPase plasma membrane Ca2+ transporting 4; plus strand). Cytogenetic location: 1q32.1.
Variant type: single nucleotide variant.
Coding change: c.1585C>T on transcript NM_001684.5 (MANE Select); coding-DNA position 1585, C replaced by T.
Protein change: p.Arg529Trp; replaces arginine 529 with tryptophan.
Molecular consequence: missense variant.
Genome position (GRCh38, 1-based): chr1:203,709,328, C>T. VCF-style: chr1-203709328-C-T. GRCh37 (hg19) VCF-style: chr1-203678456-C-T.
Other names: c.1585C>T, p.Arg529Trp (NM_001001396.3, NM_001365783.2, NM_001365784.2); short protein forms R529W.
Identifiers: ClinVar variation 2196622 (VCV002196622.4), dbSNP rs775495591, ClinGen allele CA1341654.